The following is an entry in ClinVar:

NM_144573.4(NEXN):c.1814del (p.Val605fs)

Gene: NEXN (nexilin F-actin binding protein; plus strand). Cytogenetic location: 1p31.1.
Variant type: Deletion.
Coding change: c.1814del on transcript NM_144573.4 (MANE Select); coding-DNA position 1814, one base deleted (T; older notation c.1814delT).
Protein change: p.Val605fs; shifts the reading frame from valine 605.
Molecular consequence: frameshift variant.
Genome position (GRCh38, 1-based): chr1:77,942,615, T deleted. VCF-style (leftmost placement, unchanged base first): chr1-77942614-GT-G. GRCh37 (hg19) VCF-style: chr1-78408299-GT-G.
Other names: c.1622del, p.Val541fs (NM_001172309.2); short protein forms V541fs, V605fs.
Identifiers: ClinVar variation 1804854 (VCV001804854.1), dbSNP rs2523310422, ClinGen allele CA2580063258.

ClinVar aggregate classification (germline): Uncertain significance (1 of 4 stars; one submission).

Submission:

Women's Health and Genetics/Laboratory Corporation of America, LabCorp
Classification: Uncertain significance. Last evaluated: 2022-11-02. Review status: criteria provided, single submitter. Criteria: LabCorp Variant Classification Summary - May 2015. Collection method: clinical testing. Allele origin: germline.
Comment: Variant summary: NEXN c.1814delT (p.Val605GlufsX81) causes a frameshift in the last exon, thus it is not expected to result in nonsense mediated decay (NMD), but is predicted to cause a truncation of the encoded protein, removing a part of the 675 amino acid long protein and replacing it with an incorrect sequence. The variant was absent in 249064 control chromosomes (gnomAD), although several truncating variants are reported in heterozygous form with low allele counts in the gene. The available data on variant occurrences in the general population are insufficient to allow any conclusion about variant significance. To our knowledge, no occurrence of c.1814delT in individuals affected with Cardiomyopathy and no experimental evidence demonstrating its impact on protein function have been reported. Frameshift variants downstream of this position have been reported in affected individuals (HGMD), however information currently available is insufficient to conclude the significance of these variant. No clinical diagnostic laboratories have submitted clinical-significance assessments for this variant to ClinVar after 2014. Based on the evidence outlined above, the variant was classified as uncertain significance.